The following is an entry in ClinVar:

ClinVar aggregate classification (germline): Uncertain significance (1 of 4 stars; one submission).

Conditions:
Autoimmune lymphoproliferative syndrome type 2A (ALPS2A). Also called: AUTOIMMUNE LYMPHOPROLIFERATIVE SYNDROME, TYPE IIA; CASP10-Related Autoimmune Lymphoproliferative Syndrome; Autoimmune lymphoproliferative syndrome type 2. Identifiers: Orphanet 3261, MedGen C1858968, MONDO:0011383, OMIM 603909.

Allele frequency attached by ClinVar (database versions not stated): TOPMed below 0.00001; gnomAD 0.00001; gnomAD exomes 0.00001.
gnomAD v4.1: 19 of 1,614,020 alleles (0.0012%); highest among the groups gnomAD compares: Non-Finnish European, 0.0014%; no homozygotes.

Submission:

Labcorp Genetics (formerly Invitae), Labcorp
Classification: Uncertain significance for Autoimmune lymphoproliferative syndrome type 2A. Last evaluated: 2022-12-18. Review status: criteria provided, single submitter. Criteria: Invitae Variant Classification Sherloc (09022015). Collection method: clinical testing. Allele origin: germline.
Comment: This variant is not present in population databases (gnomAD no frequency). This sequence change replaces glycine, which is neutral and non-polar, with glutamic acid, which is acidic and polar, at codon 45 of the CASP10 protein (p.Gly45Glu). This variant has not been reported in the literature in individuals affected with CASP10-related conditions. In summary, the available evidence is currently insufficient to determine the role of this variant in disease. Therefore, it has been classified as a Variant of Uncertain Significance. Advanced modeling of protein sequence and biophysical properties (such as structural, functional, and spatial information, amino acid conservation, physicochemical variation, residue mobility, and thermodynamic stability) performed at Invitae indicates that this missense variant is not expected to disrupt CASP10 protein function.

NM_032977.4(CASP10):c.134G>A (p.Gly45Glu)

Gene: CASP10 (caspase 10; plus strand). Cytogenetic location: 2q33.1.
Variant type: single nucleotide variant.
Coding change: c.134G>A on transcript NM_032977.4 (MANE Select); coding-DNA position 134, G replaced by A.
Protein change: p.Gly45Glu; replaces glycine 45 with glutamic acid.
Molecular consequence: missense variant.
Genome position (GRCh38, 1-based): chr2:201,185,911, G>A. VCF-style: chr2-201185911-G-A. GRCh37 (hg19) VCF-style: chr2-202050634-G-A.
Other names: c.134G>A, p.Gly45Glu (NM_001206524.2, NM_001206542.2, NM_001230.5 and 3 more transcripts); short protein forms G45E.
Identifiers: ClinVar variation 2923809 (VCV002923809.3), dbSNP rs1158417087, ClinGen allele CA350277656.
Genomic context (GRCh38, chr2:201,185,911, plus strand): 5'-TGATTATTGATTCAAACCTGGGGGTCCAAGATGTGGAGAACCTCAAGTTTCTCTGCATAG[G>A]ATTGGTCCCCAACAAGAAGCTGGAGAAGTCCAGCTCAGCCTCAGATGTTTTTGAACATCT-3'
Protein context (NP_116759.2, residues 35-55): DVENLKFLCI[Gly45Glu]LVPNKKLEKS